The following is an entry in ClinVar:

NM_000051.4(ATM):c.3285-16G>C

Gene: ATM (ATM serine/threonine kinase; plus strand). Cytogenetic location: 11q22.3.
Variant type: single nucleotide variant.
Coding change: c.3285-16G>C on transcript NM_000051.4 (MANE Select); 16 bases into the intron before coding-DNA position 3285, G replaced by C.
Molecular consequence: intron variant.
Genome position (GRCh38, 1-based): chr11:108,279,475, G>C. VCF-style: chr11-108279475-G-C. GRCh37 (hg19) VCF-style: chr11-108150202-G-C.
Other names: c.3285-16G>C (NM_001351834.2).
Identifiers: ClinVar variation 2146671 (VCV002146671.5), dbSNP rs1057524332, ClinGen allele CA2580082953.

ClinVar aggregate classification (germline): Likely benign. Review status: criteria provided, multiple submitters, no conflicts (2 of 4 stars). 2 submissions from 2 submitters: Likely benign (2). Last evaluated 2025-11-05.

Conditions:
Ataxia-telangiectasia syndrome (AT). Also called: Cerebello-oculocutaneous telangiectasia; Immunodeficiency with ataxia telangiectasia; LOUIS-BAR SYNDROME; ATAXIA-TELANGIECTASIA, FRESNO VARIANT; Ataxia-telangiectasia, complementation group D; AT, COMPLEMENTATION GROUP C. Identifiers: Orphanet 100, MedGen C0004135, MONDO:0008840, OMIM 208900.
Familial cancer of breast. Also called: Hereditary breast cancer; BREAST CANCER, FAMILIAL; hereditary breast carcinoma. Identifiers: Orphanet 227535, MedGen C0346153, MONDO:0016419, OMIM 114480. Disease mechanism: loss of function.

Submissions (2):

Labcorp Genetics (formerly Invitae), Labcorp
Classification: Likely benign for Ataxia-telangiectasia syndrome. Last evaluated: 2025-11-05. Review status: criteria provided, single submitter. Criteria: Invitae Variant Classification Sherloc (09022015). Collection method: clinical testing. Allele origin: germline.

Myriad Genetics, Inc.
Classification: Likely benign for Familial cancer of breast. Last evaluated: 2024-05-14. Review status: criteria provided, single submitter. Criteria: Myriad Autosomal Dominant, Autosomal Recessive and X-Linked Classification Criteria (2023). Collection method: clinical testing. Allele origin: unknown.
Comment: This variant is considered likely benign. This variant is intronic and is not expected to impact mRNA splicing.